The following is an entry in ClinVar:

ClinVar aggregate classification (germline): Conflicting classifications of pathogenicity. Review status: criteria provided, conflicting classifications (1 of 4 stars). 2 submissions from 2 submitters: Uncertain significance (1); Likely benign (1). Last evaluated 2025-02-20.

Conditions:
Multiple system atrophy 1, susceptibility to. Also called: MSA1, SUSCEPTIBILITY TO. Identifiers: MedGen C3714927, MONDO:0020715, OMIM 146500.
COQ2-related disorder. Also called: COQ2-related condition.

Allele frequency attached by ClinVar (database versions not stated): ExAC 0.00007; TOPMed 0.00003; gnomAD 0.00001.
gnomAD v4.1: 93 of 1,503,140 alleles (0.0062%); highest among the groups gnomAD compares: Non-Finnish European, 0.008%; no homozygotes.

Submissions (2):

PreventionGenetics, part of Exact Sciences
Classification: Likely benign for COQ2-related condition. Last evaluated: 2025-02-20. Review status: criteria provided, single submitter. Criteria: ACMG Guidelines, 2015. Collection method: clinical testing. Allele origin: germline.
Comment: This variant is classified as likely benign based on ACMG/AMP sequence variant interpretation guidelines (Richards et al. 2015 PMID: 25741868, with internal and published modifications).

Baylor Genetics
Classification: Uncertain significance for Multiple system atrophy 1, susceptibility to. Last evaluated: 2023-09-11. Review status: criteria provided, single submitter. Criteria: ACMG Guidelines, 2015. Collection method: clinical testing. Allele origin: unknown.

NM_015697.9(COQ2):c.-4C>T

Genes: COQ2 (coenzyme Q2, polyprenyltransferase; minus strand), LOC112997540 (Sharpr-MPRA regulatory region 13773; plus strand). Cytogenetic location: 4q21.23.
Variant type: single nucleotide variant.
Coding change: c.-4C>T on transcript NM_015697.9; 4 bases upstream of the start codon, C replaced by T.
Molecular consequence: 5 prime UTR variant.
Genome position (GRCh38, 1-based): chr4:83,284,918, G>A on the plus strand (C>T on the coding strand, the complement: COQ2 is on the minus strand). VCF-style: chr4-83284918-G-A. GRCh37 (hg19) VCF-style: chr4-84206071-G-A.
Identifiers: ClinVar variation 2671934 (VCV002671934.2), dbSNP rs757996760, ClinGen allele CA2988728.
Genomic context (GRCh38, chr4:83,284,918, plus strand): 5'-CTGGGCGGCGGTGTGGGCAGAACCTTTCCTCATCCTTACTTGTGAAATTGGGGTCATCGT[G>A]GTCGCTTACTCTAGGGAGGAATACTTAATGAAAAAGGGATTTCTATTGGCAAAAGGCAAA-3'